The following is an entry in ClinVar:

ClinVar aggregate classification (germline): Uncertain significance (1 of 4 stars; one submission).

Submission:

GeneDx
Classification: Uncertain significance. Last evaluated: 2024-02-04. Review status: criteria provided, single submitter. Criteria: GeneDx Variant Classification Process June 2021. Collection method: clinical testing. Allele origin: germline. Affected: yes.
Comment: Not observed at significant frequency in large population cohorts (gnomAD); In silico analysis supports that this missense variant does not alter protein structure/function; Has not been previously published as pathogenic or benign to our knowledge

NM_001194.4(HCN2):c.2609G>A (p.Gly870Asp)

Gene: HCN2 (hyperpolarization activated cyclic nucleotide gated potassium and sodium channel 2; plus strand). Cytogenetic location: 19p13.3.
Variant type: single nucleotide variant.
Coding change: c.2609G>A on transcript NM_001194.4 (MANE Select); coding-DNA position 2609, G replaced by A.
Protein change: p.Gly870Asp; replaces glycine 870 with aspartic acid.
Molecular consequence: missense variant.
Genome position (GRCh38, 1-based): chr19:616,413, G>A. VCF-style: chr19-616413-G-A. GRCh37 (hg19) VCF-style: chr19-616413-G-A.
Other names: short protein forms G870D.
Identifiers: ClinVar variation 3368591 (VCV003368591.1).